The following is an entry in ClinVar:

NM_002055.5(GFAP):c.157T>G (p.Ser53Ala)

Gene: GFAP (glial fibrillary acidic protein; minus strand). Cytogenetic location: 17q21.31.
Variant type: single nucleotide variant.
Coding change: c.157T>G on transcript NM_002055.5 (MANE Select); coding-DNA position 157, T replaced by G.
Protein change: p.Ser53Ala; replaces serine 53 with alanine.
Molecular consequence: missense variant.
Genome position (GRCh38, 1-based): chr17:44,915,330, A>C on the plus strand (T>G on the coding strand, the complement: GFAP is on the minus strand). VCF-style: chr17-44915330-A-C. GRCh37 (hg19) VCF-style: chr17-42992698-A-C.
Other names: c.157T>G, p.Ser53Ala (NM_001131019.3, NM_001242376.3, NM_001363846.2); short protein forms S53A.
Identifiers: ClinVar variation 2851474 (VCV002851474.3), dbSNP rs779437010, ClinGen allele CA8609086.
Genomic context (GRCh38, chr17:44,915,330, plus strand): 5'-TCTCTGCCCGCTCACTGGCCCGGGTCTCCTTGAAGCCAGCATTGAGTGCCCCAGCCAGGG[A>C]GAAATCCACCCGGGTCGGGAGTGGAGGGGGCATTCGAGCCAGGGAGAGGCGGGTGCCAGG-3'
Protein context (NP_002046.1, residues 43-63): PPPLPTRVDF[Ser53Ala]LAGALNAGFK

ClinVar aggregate classification (germline): Uncertain significance (1 of 4 stars; one submission).

Allele frequency attached by ClinVar (database versions not stated): TOPMed below 0.00001; ExAC 0.00001; gnomAD 0.00001.

Submission:

Labcorp Genetics (formerly Invitae), Labcorp
Classification: Uncertain significance. Last evaluated: 2026-01-05. Review status: criteria provided, single submitter. Criteria: Invitae Variant Classification Sherloc (09022015). Collection method: clinical testing. Allele origin: germline.
Comment: This sequence change replaces serine, which is neutral and polar, with alanine, which is neutral and non-polar, at codon 53 of the GFAP protein (p.Ser53Ala). This variant is present in population databases (rs779437010, gnomAD 0.007%). This variant has not been reported in the literature in individuals affected with GFAP-related conditions. ClinVar contains an entry for this variant (Variation ID: 2851474). Invitae Evidence Modeling of protein sequence and biophysical properties (such as structural, functional, and spatial information, amino acid conservation, physicochemical variation, residue mobility, and thermodynamic stability) has been performed for this missense variant. However, the output from this modeling did not meet the statistical confidence thresholds required to predict the impact of this variant on GFAP protein function. In summary, the available evidence is currently insufficient to determine the role of this variant in disease. Therefore, it has been classified as a Variant of Uncertain Significance.